The following is an entry in ClinVar:

ClinVar aggregate classification (germline): Uncertain significance (1 of 4 stars; one submission).

Submission:

GeneDx
Classification: Uncertain significance. Last evaluated: 2024-12-20. Review status: criteria provided, single submitter. Criteria: GeneDx Variant Classification Process June 2021. Collection method: clinical testing. Allele origin: germline. Affected: yes.
Comment: Not observed at significant frequency in large population cohorts (gnomAD); In silico analysis supports that this missense variant has a deleterious effect on protein structure/function; Has not been previously published as pathogenic or benign to our knowledge

NM_032436.4(CHAMP1):c.2149C>T (p.Arg717Cys)

Gene: CHAMP1 (chromosome alignment maintaining phosphoprotein 1; plus strand). Cytogenetic location: 13q34.
Variant type: single nucleotide variant.
Coding change: c.2149C>T on transcript NM_032436.4 (MANE Select); coding-DNA position 2149, C replaced by T.
Protein change: p.Arg717Cys; replaces arginine 717 with cysteine.
Molecular consequence: missense variant.
Genome position (GRCh38, 1-based): chr13:114,325,991, C>T. VCF-style: chr13-114325991-C-T. GRCh37 (hg19) VCF-style: chr13-115091466-C-T.
Other names: c.2149C>T, p.Arg717Cys (NM_001164144.3, NM_001164145.3); short protein forms R717C.
Identifiers: ClinVar variation 3906527 (VCV003906527.1).